The following is an entry in ClinVar:

ClinVar aggregate classification (germline): Conflicting classifications of pathogenicity. Review status: criteria provided, conflicting classifications (1 of 4 stars). 3 submissions from 3 submitters: Uncertain significance (1); Likely benign (2). Last evaluated 2024-09-19.

Conditions:
Hereditary breast ovarian cancer syndrome. Also called: Hereditary breast and ovarian cancer syndrome (HBOC); Hereditary breast and ovarian cancer syndrome; Breast and ovarian cancer; Hereditary breast and/or ovarian cancer syndrome; Hereditary breast and ovarian cancer; BRCA1- and BRCA2-Associated Hereditary Breast and Ovarian Cancer. Identifiers: Orphanet 145, MedGen C0677776, MeSH D061325, MONDO:0003582. Disease mechanism: loss of function.
Hereditary cancer-predisposing syndrome. Also called: Neoplastic Syndromes, Hereditary; Hereditary Cancer Syndrome; Hereditary neoplastic syndrome; Tumor predisposition. Identifiers: Orphanet 140162, MedGen C0027672, MeSH D009386, MONDO:0015356.

Submissions (3):

Labcorp Genetics (formerly Invitae), Labcorp
Classification: Uncertain significance for Hereditary breast ovarian cancer syndrome. Last evaluated: 2024-09-19. Review status: criteria provided, single submitter. Criteria: Invitae Variant Classification Sherloc (09022015). Collection method: clinical testing. Allele origin: germline.
Comment: This sequence change replaces phenylalanine, which is neutral and non-polar, with serine, which is neutral and polar, at codon 516 of the BRCA2 protein (p.Phe516Ser). This variant is not present in population databases (gnomAD no frequency). This missense change has been observed in individual(s) with clinical features of BRCA2-related conditions (PMID: 30287823). ClinVar contains an entry for this variant (Variation ID: 462238). Invitae Evidence Modeling of protein sequence and biophysical properties (such as structural, functional, and spatial information, amino acid conservation, physicochemical variation, residue mobility, and thermodynamic stability) indicates that this missense variant is not expected to disrupt BRCA2 protein function with a negative predictive value of 95%. In summary, the available evidence is currently insufficient to determine the role of this variant in disease. Therefore, it has been classified as a Variant of Uncertain Significance.

Ambry Genetics
Classification: Likely benign for Hereditary cancer-predisposing syndrome. Last evaluated: 2024-09-06. Review status: criteria provided, single submitter. Criteria: Ambry Variant Classification Scheme 2023. Collection method: clinical testing. Allele origin: germline.

University of Washington Department of Laboratory Medicine, University of Washington
Classification: Likely benign for Hereditary cancer-predisposing syndrome. Last evaluated: 2023-03-23. Review status: criteria provided, single submitter. Criteria: Dines et al. (Genet Med. 2020). Collection method: curation. Allele origin: germline.
Comment: Missense variant in a coldspot region where missense variants are very unlikely to be pathogenic (PMID:31911673).

BRCA2 exon 10 coldspot. Reclassification based on statistical prior probability.

Literature cited by the submitters: PubMed 30287823 (cited by Labcorp Genetics (formerly Invitae), Labcorp).

NM_000059.4(BRCA2):c.1547T>C (p.Phe516Ser)

Gene: BRCA2 (BRCA2 DNA repair associated; plus strand). Cytogenetic location: 13q13.1.
Variant type: single nucleotide variant.
Coding change: c.1547T>C on transcript NM_000059.4 (MANE Select); coding-DNA position 1547, T replaced by C.
Protein change: p.Phe516Ser; replaces phenylalanine 516 with serine.
Molecular consequence: missense variant.
Genome position (GRCh38, 1-based): chr13:32,333,025, T>C. VCF-style: chr13-32333025-T-C. GRCh37 (hg19) VCF-style: chr13-32907162-T-C.
Other names: short protein forms F516S.
Identifiers: ClinVar variation 462238 (VCV000462238.14), dbSNP rs768641298, ClinGen allele CA387764650.